The following is an entry in ClinVar:

NM_000406.3(GNRHR):c.512C>T (p.Ala171Val)

Gene: GNRHR (gonadotropin releasing hormone receptor; minus strand). Cytogenetic location: 4q13.2.
Variant type: single nucleotide variant.
Coding change: c.512C>T on transcript NM_000406.3 (MANE Select); coding-DNA position 512, C replaced by T.
Protein change: p.Ala171Val; replaces alanine 171 with valine.
Molecular consequence: missense variant.
Genome position (GRCh38, 1-based): chr4:67,753,824, G>A on the plus strand (C>T on the coding strand, the complement: GNRHR is on the minus strand). VCF-style: chr4-67753824-G-A. GRCh37 (hg19) VCF-style: chr4-68619542-G-A.
Other names: c.512C>T, p.Ala171Val (NM_001012763.2); short protein forms A171V.
Identifiers: ClinVar variation 3660422 (VCV003660422.2).

ClinVar aggregate classification (germline): Likely pathogenic (1 of 4 stars; one submission).

Submission:

Labcorp Genetics (formerly Invitae), Labcorp
Classification: Likely pathogenic. Last evaluated: 2024-09-09. Review status: criteria provided, single submitter. Criteria: Invitae Variant Classification Sherloc (09022015). Collection method: clinical testing. Allele origin: germline.
Comment: This sequence change replaces alanine, which is neutral and non-polar, with valine, which is neutral and non-polar, at codon 171 of the GNRHR protein (p.Ala171Val). This variant is not present in population databases (gnomAD no frequency). This missense change has been observed in individual(s) with GNRHR-related condition (internal data). In at least one individual the data is consistent with being in trans (on the opposite chromosome) from a pathogenic variant. Invitae Evidence Modeling of protein sequence and biophysical properties (such as structural, functional, and spatial information, amino acid conservation, physicochemical variation, residue mobility, and thermodynamic stability) indicates that this missense variant is expected to disrupt GNRHR protein function with a positive predictive value of 80%. This variant disrupts the p.Ala171 amino acid residue in GNRHR. Other variant(s) that disrupt this residue have been determined to be pathogenic (PMID: 12679486). This suggests that this residue is clinically significant, and that variants that disrupt this residue are likely to be disease-causing. In summary, the currently available evidence indicates that the variant is pathogenic, but additional data are needed to prove that conclusively. Therefore, this variant has been classified as Likely Pathogenic.

Literature cited by the submitters: PubMed 12679486.